The following is an entry in ClinVar:

ClinVar aggregate classification (germline): Benign/Likely benign. Review status: criteria provided, multiple submitters, no conflicts (2 of 4 stars). 4 submissions from 4 submitters: Benign (3); Likely benign (1). Last evaluated 2026-02-03.

Conditions:
Telangiectasia, hereditary hemorrhagic, type 1 (HHT1). Also called: Osler Weber Rendu syndrome type 1; ENG-Related Hereditary Hemorrhagic Telangiectasia. Identifiers: Orphanet 774, MedGen C4551861, MONDO:0008535, OMIM 187300. Disease mechanism: loss of function.
Hereditary hemorrhagic telangiectasia (HHT). Also called: ORW DISEASE; Osler Weber Rendu syndrome; OSLER-RENDU-WEBER DISEASE; Osler hemorrhagic telangiectasia syndrome. Identifiers: Orphanet 774, MedGen C0039445, MONDO:0019180. Disease mechanism: loss of function.

Allele frequency attached by ClinVar (database versions not stated): gnomAD exomes 0.00047; gnomAD 0.00106 and 0.00080; 1000 Genomes Project 30x 0.00687; TOPMed 0.00124; 1000 Genomes Project 0.00739.
gnomAD v4.1: 881 of 1,530,574 alleles (0.058%); highest among the groups gnomAD compares: East Asian, 1.9%; 23 homozygotes.

Submissions (4):

Labcorp Genetics (formerly Invitae), Labcorp
Classification: Benign for Hereditary hemorrhagic telangiectasia. Last evaluated: 2026-02-03. Review status: criteria provided, single submitter. Criteria: Invitae Variant Classification Sherloc (09022015). Collection method: clinical testing. Allele origin: germline.

Mayo Clinic Laboratories, Mayo Clinic
Classification: Benign. Last evaluated: 2025-04-11. Review status: criteria provided, single submitter. Criteria: ACMG Guidelines, 2015. Collection method: clinical testing. Allele origin: germline. Observed: 1 variant allele.
Comment: BA1, BP4, BP7

Blueprint Genetics
Classification: Likely benign. Last evaluated: 2024-11-26. Review status: criteria provided, single submitter. Criteria: ACMG Guidelines, 2015. Collection method: clinical testing. Allele origin: germline.

Illumina Laboratory Services, Illumina
Classification: Benign for Telangiectasia, hereditary hemorrhagic, type 1. Last evaluated: 2018-01-12. Review status: criteria provided, single submitter. Criteria: ICSL Variant Classification Criteria 13 December 2019. Collection method: clinical testing. Allele origin: germline.
Comment: This variant was observed in the ICSL laboratory as part of a predisposition screen in an ostensibly healthy population. It had not been previously curated by ICSL or reported in the Human Gene Mutation Database (HGMD: prior to June 1st, 2018), and was therefore a candidate for classification through an automated scoring system. Utilizing variant allele frequency, disease prevalence and penetrance estimates, and inheritance mode, an automated score was calculated to assess if this variant is too frequent to cause the disease. Based on the score and internal cut-off values, a variant classified as benign is not then subjected to further curation. The score for this variant resulted in a classification of benign for this disease.

NM_001114753.3(ENG):c.-54C>A

Gene: ENG (endoglin; minus strand). Cytogenetic location: 9q34.11.
Variant type: single nucleotide variant.
Coding change: c.-54C>A on transcript NM_001114753.3 (MANE Select); 54 bases upstream of the start codon, C replaced by A.
Molecular consequence: 5 prime UTR variant.
Genome position (GRCh38, 1-based): chr9:127,854,409, G>T on the plus strand (C>A on the coding strand, the complement: ENG is on the minus strand). VCF-style: chr9-127854409-G-T. GRCh37 (hg19) VCF-style: chr9-130616688-G-T.
Other names: c.-54C>A (NM_000118.4, NM_001406715.1).
Identifiers: ClinVar variation 365097 (VCV000365097.15), dbSNP rs2296702, ClinGen allele CA10632661.
Genomic context (GRCh38, chr9:127,854,409, plus strand): 5'-GGTCCATGCTGTCCACGTGGGGGCCTGTGCGCTGGGCCTTATCCTGTGTCCAGTGGCAGG[G>T]CTGCGGGCGGGCACCGGGGCCGGCGTGGGCTCGCACGGGGACCCGAGGGGAGCAGGCGGC-3'